The following is an entry in ClinVar:

ClinVar aggregate classification (germline): Conflicting classifications of pathogenicity. Review status: criteria provided, conflicting classifications (1 of 4 stars). 6 submissions from 6 submitters: Uncertain significance (1); Likely benign (5). Last evaluated 2025-11-01.

Conditions:
Alagille syndrome due to a JAG1 point mutation. Also called: JAG1-Related Alagille Syndrome; Alagille Syndrome 1; HEPATIC DUCTULAR HYPOPLASIA, SYNDROMATIC. Identifiers: Orphanet 261619, Orphanet 52, MedGen C1956125, MONDO:0016862, OMIM 118450.
Cardiovascular phenotype. Identifiers: MedGen CN230736.
JAG1-related disorder. Also called: JAG1-related disorders; JAG1-related condition.

Allele frequency attached by ClinVar (database versions not stated): gnomAD 0.00001; TOPMed 0.00003; gnomAD exomes 0.00004 and 0.00006; ExAC 0.00005; ESP Exome Variant Server 0.00008.
gnomAD v4.1: 92 of 1,614,062 alleles (0.0057%); highest among the groups gnomAD compares: Non-Finnish European, 0.0075%; no homozygotes.

Submissions (6):

CeGaT Center for Human Genetics Tuebingen
Classification: Likely benign. Last evaluated: 2025-11-01. Review status: criteria provided, single submitter. Criteria: CeGaT Center For Human Genetics Tuebingen Variant Classification Criteria Version 2. Collection method: clinical testing. Allele origin: germline. Affected: yes. Observed: 1 variant allele.
Comment: JAG1: BP4, BP7

Labcorp Genetics (formerly Invitae), Labcorp
Classification: Likely benign for Alagille syndrome due to a JAG1 point mutation. Last evaluated: 2025-09-16. Review status: criteria provided, single submitter. Criteria: Invitae Variant Classification Sherloc (09022015). Collection method: clinical testing. Allele origin: germline.

PreventionGenetics, part of Exact Sciences
Classification: Likely benign for JAG1-related condition. Last evaluated: 2024-10-29. Review status: criteria provided, single submitter. Criteria: ACMG Guidelines, 2015. Collection method: clinical testing. Allele origin: germline.
Comment: This variant is classified as likely benign based on ACMG/AMP sequence variant interpretation guidelines (Richards et al. 2015 PMID: 25741868, with internal and published modifications).

Blueprint Genetics
Classification: Likely benign. Last evaluated: 2023-09-09. Review status: criteria provided, single submitter. Criteria: ACMG Guidelines, 2015. Collection method: clinical testing. Allele origin: germline.

Ambry Genetics
Classification: Likely benign for Cardiovascular phenotype. Last evaluated: 2022-04-19. Review status: criteria provided, single submitter. Criteria: Ambry Variant Classification Scheme 2023. Collection method: clinical testing. Allele origin: germline.

Eurofins Ntd Llc (ga)
Classification: Uncertain significance. Last evaluated: 2017-09-29. Review status: criteria provided, single submitter. Criteria: EGL Classification Definitions 2015. Collection method: clinical testing. Allele origin: germline. Observed: 1 variant allele, 1 heterozygote.

NM_000214.3(JAG1):c.1704C>T (p.Arg568=)

Gene: JAG1 (jagged canonical Notch ligand 1; minus strand). Cytogenetic location: 20p12.2.
Variant type: single nucleotide variant.
Coding change: c.1704C>T on transcript NM_000214.3 (MANE Select); coding-DNA position 1704, C replaced by T.
Protein change: p.Arg568=; no amino-acid change (arginine 568 retained).
Molecular consequence: synonymous variant.
Genome position (GRCh38, 1-based): chr20:10,647,976, G>A on the plus strand (C>T on the coding strand, the complement: JAG1 is on the minus strand). VCF-style: chr20-10647976-G-A. GRCh37 (hg19) VCF-style: chr20-10628624-G-A.
Other names: c.1704C>T, p.Arg568= (LRG_1191t1).
Identifiers: ClinVar variation 594284 (VCV000594284.20), dbSNP rs144985667, ClinGen allele CA9764790.